The following is an entry in ClinVar:

NM_021927.3(GUF1):c.1873-6T>C

Gene: GUF1 (GTP binding elongation factor GUF1; plus strand). Cytogenetic location: 4p12.
Variant type: single nucleotide variant.
Coding change: c.1873-6T>C on transcript NM_021927.3 (MANE Select); 6 bases into the intron before coding-DNA position 1873, T replaced by C.
Molecular consequence: intron variant.
Genome position (GRCh38, 1-based): chr4:44,698,538, T>C. VCF-style: chr4-44698538-T-C. GRCh37 (hg19) VCF-style: chr4-44700555-T-C.
Other names: c.1753-6T>C (NM_001345868.2); c.901-6T>C (NM_001345867.2, NM_001345869.2).
Identifiers: ClinVar variation 2776831 (VCV002776831.3), dbSNP rs574434394, ClinGen allele CA2905815.

ClinVar aggregate classification (germline): Uncertain significance (1 of 4 stars; one submission).

Allele frequency attached by ClinVar (database versions not stated): gnomAD exomes below 0.00001; ExAC 0.00001; 1000 Genomes Project 30x 0.00016; 1000 Genomes Project 0.00020.
gnomAD v4.1: 2 of 1,577,660 alleles (0.00013%); highest among the groups gnomAD compares: East Asian, 0.0045%; no homozygotes.

Submission:

Labcorp Genetics (formerly Invitae), Labcorp
Classification: Uncertain significance. Last evaluated: 2023-11-17. Review status: criteria provided, single submitter. Criteria: Invitae Variant Classification Sherloc (09022015). Collection method: clinical testing. Allele origin: germline.
Comment: This sequence change falls in intron 16 of the GUF1 gene. It does not directly change the encoded amino acid sequence of the GUF1 protein. This variant is present in population databases (rs574434394, gnomAD 0.007%). This variant has not been reported in the literature in individuals affected with GUF1-related conditions. Algorithms developed to predict the effect of sequence changes on RNA splicing suggest that this variant may disrupt the consensus splice site. In summary, the available evidence is currently insufficient to determine the role of this variant in disease. Therefore, it has been classified as a Variant of Uncertain Significance.